The following is an entry in ClinVar:

NM_005461.5(MAFB):c.211C>T (p.Pro71Ser)

Gene: MAFB (MAF bZIP transcription factor B; minus strand). Cytogenetic location: 20q12.
Variant type: single nucleotide variant.
Coding change: c.211C>T on transcript NM_005461.5 (MANE Select); coding-DNA position 211, C replaced by T.
Protein change: p.Pro71Ser; replaces proline 71 with serine.
Molecular consequence: missense variant.
Genome position (GRCh38, 1-based): chr20:40,688,640, G>A on the plus strand (C>T on the coding strand, the complement: MAFB is on the minus strand). VCF-style: chr20-40688640-G-A. GRCh37 (hg19) VCF-style: chr20-39317280-G-A.
Other names: short protein forms P71S.
Identifiers: ClinVar variation 30771 (VCV000030771.3), dbSNP rs387907007, ClinGen allele CA129455.

ClinVar aggregate classification (germline): Likely pathogenic. Review status: criteria provided, single submitter (1 of 4 stars). 2 submissions from 2 submitters: Likely pathogenic (1). 1 of the submissions does not count toward it. Last evaluated 2025-09-15.

Conditions:
Multicentric carpo-tarsal osteolysis with or without nephropathy. Also called: Multicentric Carpotarsal Osteolysis with or without Nephropathy; OSTEOLYSIS, HEREDITARY, OF CARPAL BONES WITH OR WITHOUT NEPHROPATHY; MULTICENTRIC CARPOTARSAL OSTEOLYSIS SYNDROME; MULTICENTRIC OSTEOLYSIS, AUTOSOMAL DOMINANT; Multicentric Osteolysis of Carpal Bones and Nephropathy; Carnevale Canun Mendoza syndrome. Identifiers: Orphanet 2774, MedGen C2674705, MONDO:0008152, OMIM 166300.

Submissions (2):

3billion
Classification: Likely pathogenic for Multicentric carpo-tarsal osteolysis with or without nephropathy. Last evaluated: 2025-09-15. Review status: criteria provided, single submitter. Criteria: ACMG Guidelines, 2015. Collection method: clinical testing. Allele origin: germline. Affected: yes.
Comment: The variant is not observed in the gnomAD v4.1.0 dataset. Predicted Consequence/Location: Missense variant. Missense changes are a common disease-causing mechanism. In silico tool predictions suggest damaging effect of the variant on gene or gene product [REVEL: 0.86 (>=0.6, sensitivity 0.68 and specificity 0.92); 3Cnet: 0.88 (> 0.75, sensitivity 0.96 and precision 0.92)]. The same nucleotide change resulting in the same amino acid change has been previously reported to be associated with MAFB-related disorder (ClinVar ID: VCV000030771 /PMID: 22387013).Different missense changes at the same codon (p.Pro71Ala, p.Pro71His, p.Pro71Leu) have been reported as pathogenic/likely pathogenic with strong evidence (ClinVar ID: VCV000030772 /PMID: 22387013, 30208859, 38551204). Therefore, this variant is classified as Likely pathogenic according to the recommendation of ACMG/AMP guideline.

OMIM
Classification: Pathogenic for MULTICENTRIC CARPOTARSAL OSTEOLYSIS SYNDROME. Last evaluated: 2012-03-09. Review status: no assertion criteria provided. Collection method: literature only. Allele origin: germline. Not counted in ClinVar's aggregate classification.

Literature cited by the submitters: PubMed 22387013 (cited by 3billion and OMIM).